The following is an entry in ClinVar:

ClinVar aggregate classification (germline): Uncertain significance (1 of 4 stars; one submission).

Allele frequency attached by ClinVar (database versions not stated): gnomAD exomes below 0.00001.
gnomAD v4.1: 3 of 1,613,916 alleles (0.00019%); highest among the groups gnomAD compares: African/African-American, 0.004%; no homozygotes.

Submission:

Labcorp Genetics (formerly Invitae), Labcorp
Classification: Uncertain significance. Last evaluated: 2022-07-12. Review status: criteria provided, single submitter. Criteria: Invitae Variant Classification Sherloc (09022015). Collection method: clinical testing. Allele origin: germline.
Comment: In summary, the available evidence is currently insufficient to determine the role of this variant in disease. Therefore, it has been classified as a Variant of Uncertain Significance. Algorithms developed to predict the effect of missense changes on protein structure and function are either unavailable or do not agree on the potential impact of this missense change (SIFT: "Deleterious"; PolyPhen-2: "Possibly Damaging"; Align-GVGD: "Class C0"). ClinVar contains an entry for this variant (Variation ID: 1497221). This variant has not been reported in the literature in individuals affected with SLC20A2-related conditions. This variant is not present in population databases (gnomAD no frequency). This sequence change replaces serine, which is neutral and polar, with phenylalanine, which is neutral and non-polar, at codon 321 of the SLC20A2 protein (p.Ser321Phe).

NM_001257180.2(SLC20A2):c.962C>T (p.Ser321Phe)

Gene: SLC20A2 (solute carrier family 20 member 2; minus strand). Cytogenetic location: 8p11.21.
Variant type: single nucleotide variant.
Coding change: c.962C>T on transcript NM_001257180.2 (MANE Select); coding-DNA position 962, C replaced by T.
Protein change: p.Ser321Phe; replaces serine 321 with phenylalanine.
Molecular consequence: missense variant.
Genome position (GRCh38, 1-based): chr8:42,437,550, G>A on the plus strand (C>T on the coding strand, the complement: SLC20A2 is on the minus strand). VCF-style: chr8-42437550-G-A. GRCh37 (hg19) VCF-style: chr8-42295068-G-A.
Other names: c.962C>T, p.Ser321Phe (NM_001257181.2, NM_006749.5); short protein forms S321F.
Identifiers: ClinVar variation 1497221 (VCV001497221.8), dbSNP rs2131008653, ClinGen allele CA371097709.